The following is an entry in ClinVar:

ClinVar aggregate classification (germline): Pathogenic (1 of 4 stars; one submission).

Conditions:
Hereditary cancer-predisposing syndrome. Also called: Hereditary Cancer Syndrome; Hereditary neoplastic syndrome; Tumor predisposition; Neoplastic Syndromes, Hereditary. Identifiers: Orphanet 140162, MedGen C0027672, MeSH D009386, MONDO:0015356.

Submission:

Ambry Genetics
Classification: Pathogenic for Hereditary cancer-predisposing syndrome. Last evaluated: 2022-10-17. Review status: criteria provided, single submitter. Criteria: Ambry Variant Classification Scheme 2023. Collection method: clinical testing. Allele origin: germline.
Comment: The c.2507_2510delCATC pathogenic mutation, located in coding exon 15 of the APC gene, results from a deletion of 4 nucleotides at nucleotide positions 2507 to 2510, causing a translational frameshift with a predicted alternate stop codon (p.S836*). This alteration occurs at the 3' terminus of theAPC gene, is not expected to trigger nonsense-mediated mRNA decay, and impacts the last 2008 amino acids of the protein. However, premature stop codons are typically deleterious in nature and the impacted region is critical for protein function and a significant portion of the protein is affected (Ambry internal data). This variant is considered to be rare based on population cohorts in the Genome Aggregation Database (gnomAD). Based on the supporting evidence, this alteration is interpreted as a disease-causing mutation.

NM_000038.6(APC):c.2507_2510del (p.Ser835_Ser836insTer)

Gene: APC (APC regulator of Wnt signaling pathway; plus strand). Cytogenetic location: 5q22.2.
Variant type: Deletion.
Coding change: c.2507_2510del on transcript NM_000038.6 (MANE Select); coding-DNA positions 2507 to 2510, 4 bases deleted (CATC; older notation c.2507_2510delCATC).
Protein change: p.Ser835_Ser836insTer.
Molecular consequence: nonsense. On other transcripts: frameshift variant (20).
Genome position (GRCh38, 1-based): chr5:112,838,101-112,838,104, CATC deleted. VCF-style (leftmost placement, unchanged base first): chr5-112838100-TCATC-T. GRCh37 (hg19) VCF-style: chr5-112173797-TCATC-T.
Other names: c.2507_2510del, p.Ser835_Ser836insTer (NM_001127510.3, NM_001354895.2); c.2453_2456del, p.Ser817_Ser818insTer (NM_001127511.3); c.2561_2564del, p.Ser853_Ser854insTer (NM_001354896.2); c.2537_2540del, p.Ser845_Ser846insTer (NM_001354897.2); c.2432_2435del, p.Ser810_Ser811insTer (NM_001354898.2); c.2423_2426del, p.Ser807_Ser808insTer (NM_001354899.2); c.2384_2387del, p.Ser794_Ser795insTer (NM_001354900.2); c.2330_2333del, p.Ser776_Ser777insTer (NM_001354901.2); and 16 more.
Identifiers: ClinVar variation 1792322 (VCV001792322.2), dbSNP rs2533427923, ClinGen allele CA2580072631.